The following is an entry in ClinVar:

ClinVar aggregate classification (germline): Uncertain significance (1 of 4 stars; one submission).

Conditions:
Arrhythmogenic right ventricular dysplasia 11. Also called: Arrhythmogenic right ventricular dysplasia 11 with mild palmoplantar keratoderma and woolly hair; Arrhythmogenic Right Ventricular Dysplasia/Cardiomyopathy11; ARRHYTHMOGENIC RIGHT VENTRICULAR DYSPLASIA, FAMILIAL, 11. Identifiers: MedGen C1864850, MONDO:0012506, OMIM 610476.

Allele frequency attached by ClinVar (database versions not stated): gnomAD exomes below 0.00001.

Submission:

Labcorp Genetics (formerly Invitae), Labcorp
Classification: Uncertain significance for Arrhythmogenic right ventricular dysplasia 11. Last evaluated: 2020-02-11. Review status: criteria provided, single submitter. Criteria: Invitae Variant Classification Sherloc (09022015). Collection method: clinical testing. Allele origin: germline.
Comment: In summary, the available evidence is currently insufficient to determine the role of this variant in disease. Therefore, it has been classified as a Variant of Uncertain Significance. Algorithms developed to predict the effect of missense changes on protein structure and function (SIFT, PolyPhen-2, Align-GVGD) all suggest that this variant is likely to be tolerated, but these predictions have not been confirmed by published functional studies and their clinical significance is uncertain. This variant has not been reported in the literature in individuals with DSC2-related disease. This variant is not present in population databases (ExAC no frequency). This sequence change replaces histidine with tyrosine at codon 813 of the DSC2 protein (p.His813Tyr). The histidine residue is moderately conserved and there is a moderate physicochemical difference between histidine and tyrosine.

NM_024422.6(DSC2):c.2437C>T (p.His813Tyr)

Gene: DSC2 (desmocollin 2; minus strand). Cytogenetic location: 18q12.1.
Variant type: single nucleotide variant.
Coding change: c.2437C>T on transcript NM_024422.6 (MANE Select); coding-DNA position 2437, C replaced by T.
Protein change: p.His813Tyr; replaces histidine 813 with tyrosine.
Molecular consequence: missense variant.
Genome position (GRCh38, 1-based): chr18:31,068,965, G>A on the plus strand (C>T on the coding strand, the complement: DSC2 is on the minus strand). VCF-style: chr18-31068965-G-A. GRCh37 (hg19) VCF-style: chr18-28648931-G-A.
Other names: c.2437C>T, p.His813Tyr (NM_004949.5); short protein forms H813Y.
Identifiers: ClinVar variation 536274 (VCV000536274.6), dbSNP rs1402474064, ClinGen allele CA402111279.
Genomic context (GRCh38, chr18:31,068,965, plus strand): 5'-GGGGCTGAGTAAAACTGTGCCACTCCGAGTAAGTGTATCTGCAGTTGTCCACCTCCGTGT[G>A]TCCTCCCCTGCAGGAGTCCAGGGTGTGATGGTGGCCAGCCCCCCGGCAGGATTCCGAGGT-3'
Protein context (NP_077740.1, residues 803-823): HHTLDSCRGG[His813Tyr]TEVDNCRYTY